The following is an entry in ClinVar:

ClinVar aggregate classification (germline): Uncertain significance (1 of 4 stars; one submission).

Submission:

Labcorp Genetics (formerly Invitae), Labcorp
Classification: Uncertain significance. Last evaluated: 2022-05-06. Review status: criteria provided, single submitter. Criteria: Invitae Variant Classification Sherloc (09022015). Collection method: clinical testing. Allele origin: germline.
Comment: In summary, the available evidence is currently insufficient to determine the role of this variant in disease. Therefore, it has been classified as a Variant of Uncertain Significance. Experimental studies and prediction algorithms are not available or were not evaluated, and the functional significance of this variant is currently unknown. This variant has not been reported in the literature in individuals affected with TCF3-related conditions. This variant is not present in population databases (gnomAD no frequency). This sequence change creates a premature translational stop signal (p.Lys619*) in the TCF3 gene. While this is not anticipated to result in nonsense mediated decay, it is expected to disrupt the last 36 amino acid(s) of the TCF3 protein.

NM_003200.5(TCF3):c.1855A>T (p.Lys619Ter)

Gene: TCF3 (transcription factor 3; minus strand). Cytogenetic location: 19p13.3.
Variant type: single nucleotide variant.
Coding change: c.1855A>T on transcript NM_003200.5 (MANE Select); coding-DNA position 1855, A replaced by T.
Protein change: p.Lys619Ter; replaces lysine 619 with a stop codon.
Molecular consequence: nonsense.
Genome position (GRCh38, 1-based): chr19:1,611,817, T>A on the plus strand (A>T on the coding strand, the complement: TCF3 is on the minus strand). VCF-style: chr19-1611817-T-A. GRCh37 (hg19) VCF-style: chr19-1611816-T-A.
Other names: c.1846A>T, p.Lys616Ter (NM_001136139.4, NM_001351779.2); c.1852A>T, p.Lys618Ter (NM_001351778.2); short protein forms K619*, K616*, K618*.
Identifiers: ClinVar variation 2134536 (VCV002134536.4), dbSNP rs2513091086, ClinGen allele CA403048214.